The following is an entry in ClinVar:

ClinVar aggregate classification (germline): Uncertain significance. Review status: criteria provided, multiple submitters, no conflicts (2 of 4 stars). 3 submissions from 3 submitters: Uncertain significance (3). Last evaluated 2023-12-12.

Conditions:
Benign neonatal seizures. Also called: Benign familial neonatal seizures; Convulsions benign familial neonatal dominant form; Autosomal dominant form of benign neonatal seizures; Benign neonatal familial convulsions; Benign familial neonatal epilepsy. Identifiers: Orphanet 1949, MedGen C0220669, MONDO:0016027.

Allele frequency attached by ClinVar (database versions not stated): gnomAD exomes below 0.00001.
gnomAD v4.1: 2 of 1,610,490 alleles (0.00012%); highest among the groups gnomAD compares: Non-Finnish European, 0.00017%; no homozygotes.

Submissions (3):

Labcorp Genetics (formerly Invitae), Labcorp
Classification: Uncertain significance for Benign neonatal seizures. Last evaluated: 2023-12-12. Review status: criteria provided, single submitter. Criteria: Invitae Variant Classification Sherloc (09022015). Collection method: clinical testing. Allele origin: germline.
Comment: This sequence change replaces methionine, which is neutral and non-polar, with valine, which is neutral and non-polar, at codon 511 of the KCNQ3 protein (p.Met511Val). This variant is not present in population databases (gnomAD no frequency). This variant has not been reported in the literature in individuals affected with KCNQ3-related conditions. ClinVar contains an entry for this variant (Variation ID: 279819). Advanced modeling of protein sequence and biophysical properties (such as structural, functional, and spatial information, amino acid conservation, physicochemical variation, residue mobility, and thermodynamic stability) performed at Invitae indicates that this missense variant is not expected to disrupt KCNQ3 protein function with a negative predictive value of 80%. In summary, the available evidence is currently insufficient to determine the role of this variant in disease. Therefore, it has been classified as a Variant of Uncertain Significance.

Mayo Clinic Laboratories, Mayo Clinic
Classification: Uncertain significance. Last evaluated: 2021-07-23. Review status: criteria provided, single submitter. Criteria: ACMG Guidelines, 2015. Collection method: clinical testing. Allele origin: germline.

GeneDx
Classification: Uncertain significance. Last evaluated: 2016-05-20. Review status: criteria provided, single submitter. Criteria: GeneDx Variant Classification (06012015). Collection method: clinical testing. Allele origin: germline. Affected: yes.
Comment: The M511V variant has not been published as a pathogenic variant, nor has it been reported as a benign variant to our knowledge. The M511V variant is a conservative amino acid substitution, which is not likely to impact secondary protein structure as these residues share similar properties. This substitution occurs at a position where amino acids with similar properties to Methionine are tolerated across species. However, M511V was not observed in approximately 6,500 individuals of European and African American ancestry in the NHLBI Exome Sequencing Project, indicating it is not a common benign variant in these populations. In silico analysis is inconsistent in its predictions as to whether or not the variant is damaging to the protein structure/function. Therefore, based on the currently available information, it is unclear whether this variant is a pathogenic variant or a rare benign variant.

NM_004519.4(KCNQ3):c.1531A>G (p.Met511Val)

Gene: KCNQ3 (potassium voltage-gated channel subfamily Q member 3; minus strand). Cytogenetic location: 8q24.22.
Variant type: single nucleotide variant.
Coding change: c.1531A>G on transcript NM_004519.4 (MANE Select); coding-DNA position 1531, A replaced by G.
Protein change: p.Met511Val; replaces methionine 511 with valine.
Molecular consequence: missense variant.
Genome position (GRCh38, 1-based): chr8:132,140,113, T>C on the plus strand (A>G on the coding strand, the complement: KCNQ3 is on the minus strand). VCF-style: chr8-132140113-T-C. GRCh37 (hg19) VCF-style: chr8-133152360-T-C.
Other names: p.Met511Val; c.1171A>G, p.Met391Val (NM_001204824.2); short protein forms M511V, M391V.
Identifiers: ClinVar variation 279819 (VCV000279819.8), dbSNP rs200219106, ClinGen allele CA10602981.